The following is an entry in ClinVar:

NM_000350.3(ABCA4):c.2865G>A (p.Glu955=)

Gene: ABCA4 (ATP binding cassette subfamily A member 4; minus strand). Cytogenetic location: 1p22.1.
Variant type: single nucleotide variant.
Coding change: c.2865G>A on transcript NM_000350.3 (MANE Select); coding-DNA position 2865, G replaced by A.
Protein change: p.Glu955=; no amino-acid change (glutamic acid 955 retained).
Molecular consequence: synonymous variant.
Genome position (GRCh38, 1-based): chr1:94,046,972, C>T on the plus strand (G>A on the coding strand, the complement: ABCA4 is on the minus strand). VCF-style: chr1-94046972-C-T. GRCh37 (hg19) VCF-style: chr1-94512528-C-T.
Other names: c.2643G>A, p.Glu881= (NM_001425324.1).
Identifiers: ClinVar variation 2968413 (VCV002968413.5), dbSNP rs1553191096, ClinGen allele CA958132.

ClinVar aggregate classification (germline): Likely benign. Review status: criteria provided, single submitter (1 of 4 stars). 2 submissions from 2 submitters: Likely benign (1). 1 of the submissions does not count toward it. Last evaluated 2025-04-08.

Conditions:
ABCA4-related disorder. Also called: ABCA4-related disorders; ABCA4-related condition. Identifiers: MedGen CN239167.

Allele frequency attached by ClinVar (database versions not stated): ExAC 0.00001; TOPMed 0.00001.

Submissions (2):

Labcorp Genetics (formerly Invitae), Labcorp
Classification: Likely benign. Last evaluated: 2025-04-08. Review status: criteria provided, single submitter. Criteria: Invitae Variant Classification Sherloc (09022015). Collection method: clinical testing. Allele origin: germline.

PreventionGenetics, part of Exact Sciences
Classification: Likely benign for ABCA4-related condition. Last evaluated: 2019-09-05. Review status: no assertion criteria provided. Collection method: clinical testing. Allele origin: germline. Not counted in ClinVar's aggregate classification.
Comment: This variant is classified as likely benign based on ACMG/AMP sequence variant interpretation guidelines (Richards et al. 2015 PMID: 25741868, with internal and published modifications).